The following is an entry in ClinVar:

NM_000051.4(ATM):c.8010+186C>T

Genes: ATM (ATM serine/threonine kinase; plus strand), C11orf65 (chromosome 11 open reading frame 65; minus strand). Cytogenetic location: 11q22.3.
Variant type: single nucleotide variant.
Coding change: c.8010+186C>T on transcript NM_000051.4 (MANE Select); 186 bases into the intron after coding-DNA position 8010, C replaced by T.
Molecular consequence: intron variant.
Genome position (GRCh38, 1-based): chr11:108,334,154, C>T. VCF-style: chr11-108334154-C-T. GRCh37 (hg19) VCF-style: chr11-108204881-C-T.
Other names: c.8010+186C>T (NM_001351834.2); c.641-25083G>A (NM_001330368.2); c.*38+1066G>A (NM_001351110.2).
Identifiers: ClinVar variation 489593 (VCV000489593.14), dbSNP rs227060, ClinGen allele CA228419883.

ClinVar aggregate classification (germline): Benign. Review status: criteria provided, multiple submitters, no conflicts (2 of 4 stars). 3 submissions from 3 submitters: Benign (3). Last evaluated 2026-02-02.

Conditions:
Hereditary cancer-predisposing syndrome. Also called: Neoplastic Syndromes, Hereditary; Hereditary Cancer Syndrome; Tumor predisposition; Hereditary neoplastic syndrome. Identifiers: Orphanet 140162, MedGen C0027672, MeSH D009386, MONDO:0015356.
Ataxia-telangiectasia syndrome (AT). Also called: LOUIS-BAR SYNDROME; Cerebello-oculocutaneous telangiectasia; Immunodeficiency with ataxia telangiectasia; Ataxia-telangiectasia, complementation group D; AT, COMPLEMENTATION GROUP C; Ataxia-telangiectasia, complementation group E. Identifiers: Orphanet 100, MedGen C0004135, MONDO:0008840, OMIM 208900.

Allele frequency attached by ClinVar (database versions not stated): 1000 Genomes Project 30x 0.31824; 1000 Genomes Project 0.32328; TOPMed 0.27391; gnomAD 0.26885 and 0.28059.
gnomAD v4.1: 42,645 of 151,788 alleles (28%); highest among the groups gnomAD compares: Middle Eastern, 52%; 7,172 homozygotes.

Submissions (3):

Labcorp Genetics (formerly Invitae), Labcorp
Classification: Benign for Ataxia-telangiectasia syndrome. Last evaluated: 2026-02-02. Review status: criteria provided, single submitter. Criteria: Invitae Variant Classification Sherloc (09022015). Collection method: clinical testing. Allele origin: germline.

GeneDx
Classification: Benign. Last evaluated: 2018-06-23. Review status: criteria provided, single submitter. Criteria: GeneDx Variant Classification Process June 2021. Collection method: clinical testing. Allele origin: germline. Affected: yes.
Comment: This variant is associated with the following publications: (PMID: 17582598)

Color Diagnostics, LLC DBA Color Health
Classification: Benign for Hereditary cancer-predisposing syndrome. Last evaluated: 2014-11-26. Review status: criteria provided, single submitter. Criteria: ACMG Guidelines, 2015. Collection method: clinical testing. Allele origin: germline.